The following is an entry in ClinVar:

ClinVar aggregate classification (germline): Likely pathogenic. Review status: reviewed by expert panel (3 of 4 stars). 6 submissions from 6 submitters: Likely pathogenic (1). 5 of the submissions do not count toward it. Last evaluated 2019-05-26.

Conditions:
Phenylketonuria (PKU). Also called: Phenylketonuria (PKU); FOLLING DISEASE; OLIGOPHRENIA PHENYLPYRUVICA; Phenylketonurias. Identifiers: Orphanet 716, MedGen C0031485, MONDO:0009861, OMIM 261600. Disease mechanism: loss of function.

gnomAD v4.1: 3 of 1,589,918 alleles (0.00019%); highest among the groups gnomAD compares: Non-Finnish European, 0.00026%; no homozygotes.

Submissions (6):

ClinGen PAH Variant Curation Expert Panel
Classification: Likely pathogenic for Phenylketonuria. Last evaluated: 2019-05-26. Review status: reviewed by expert panel. Criteria: ClinGen PAH ACMG Specifications v1. Collection method: curation. Allele origin: germline. Inheritance: Autosomal recessive inheritance.
Comment: The c.168+5G>A variant has been identified in at least 4 probands with phenotypes ranging from mild HPA to classic PKU, with at least 2 probands excluding BH4 deficiency (PMIDs: 9429153, 26413448, 27121329). It has been detected in the homozygous form (PMID: 26413448) as well as in trans with pathogenic variants R297H (PMID: 9429153), I65T, and S349P (PMID: 27121329). This variant is absent from 1000G, ESP, and gnomAD databases. Computational analysis predicts an alteration of the WT donor site, most probably affecting splicing. In summary, this variant meets criteria to be classified as likely pathogenic for PAH. PAH-specific ACMG/AMP criteria applied: PM3_Strong, PM2, PP4_Moderate, PP3.

Labcorp Genetics (formerly Invitae), Labcorp
Classification: Pathogenic for Phenylketonuria. Last evaluated: 2026-01-02. Review status: criteria provided, single submitter. Criteria: Invitae Variant Classification Sherloc (09022015). Collection method: clinical testing. Allele origin: germline. Not counted in ClinVar's aggregate classification.
Comment: This sequence change falls in intron 2 of the PAH gene. It does not directly change the encoded amino acid sequence of the PAH protein. It affects a nucleotide within the consensus splice site. This variant is not present in population databases (gnomAD no frequency). This variant has been observed in individual(s) with hyperphenylalaninemia (PMID: 9429153, 29288420, 33465300). This variant is also known as IVS2+5G>A. ClinVar contains an entry for this variant (Variation ID: 102605). Variants that disrupt the consensus splice site are a relatively common cause of aberrant splicing (PMID: 17576681, 9536098). Algorithms developed to predict the effect of sequence changes on RNA splicing suggest that this variant may disrupt the consensus splice site. This variant disrupts the c.168+5G nucleotide in the PAH gene. Other variant(s) that disrupt this nucleotide have been determined to be pathogenic (PMID: 8364593, 21890392, 22330942, 22526846). This suggests that this nucleotide is clinically significant, and that variants that disrupt this position are likely to be disease-causing. For these reasons, this variant has been classified as Pathogenic.

Women's Health and Genetics/Laboratory Corporation of America, LabCorp
Classification: Pathogenic for Phenylketonuria. Last evaluated: 2025-02-28. Review status: criteria provided, single submitter. Criteria: LabCorp Variant Classification Summary - May 2015. Collection method: clinical testing. Allele origin: germline. Not counted in ClinVar's aggregate classification.
Comment: Variant summary: PAH c.168+5G>A (also described as IVS2+5G>A in the literature) alters a conserved nucleotide located close to a canonical splice site and therefore could affect mRNA splicing, leading to a significantly altered protein sequence. Several computational tools predict a significant impact on normal splicing: One predict the variant abolishes a 5' splicing donor site. Two predict the variant weakens a 5' donor site. However, these predictions have yet to be confirmed by functional studies. The variant was absent in 251362 control chromosomes (gnomAD). c.168+5G>A has been reported in the literature in multiple individuals (homozygous and presumed compound heterozygous) affected with phenylalanine hydroxylase deficiency (phenylketonuria) (Zekanowski_1997, Aldmiz-Echevarra_2016, Biglari_2015). These data indicate that the variant is very likely to be associated with disease. To our knowledge, no experimental evidence demonstrating an impact on protein function has been reported. The following publications have been ascertained in the context of this evaluation (PMID: 9429153, 27121329, 26413448). ClinVar contains an entry for this variant (Variation ID: 102605). Based on the evidence outlined above, the variant was classified as pathogenic.

Mendelics
Classification: Pathogenic for Phenylketonuria. Last evaluated: 2019-05-28. Review status: criteria provided, single submitter. Criteria: Mendelics Assertion Criteria 2017. Collection method: clinical testing. Allele origin: unknown. Not counted in ClinVar's aggregate classification.

Counsyl
Classification: Likely pathogenic for Phenylketonuria. Last evaluated: 2018-05-15. Review status: no assertion criteria provided. Collection method: clinical testing. Allele origin: unknown. Not counted in ClinVar's aggregate classification.

DeBelle Laboratory for Biochemical Genetics, MUHC/MCH RESEARCH INSTITUTE
No classification provided. Review status: no classification provided. Collection method: not provided. Allele origin: not provided. Not counted in ClinVar's aggregate classification.

Literature cited by the submitters: PubMed 26413448 (cited by 3 submitters); PubMed 9429153 (cited by 4 submitters); PubMed 27121329 (cited by 3 submitters); PubMed 29288420 (cited by Labcorp Genetics (formerly Invitae), Labcorp); PubMed 33465300 (cited by Labcorp Genetics (formerly Invitae), Labcorp); PubMed 17576681 (cited by Labcorp Genetics (formerly Invitae), Labcorp); PubMed 9536098 (cited by Labcorp Genetics (formerly Invitae), Labcorp); PubMed 8364593 (cited by Labcorp Genetics (formerly Invitae), Labcorp); PubMed 21890392 (cited by Labcorp Genetics (formerly Invitae), Labcorp); PubMed 22330942 (cited by Labcorp Genetics (formerly Invitae), Labcorp); PubMed 22526846 (cited by Labcorp Genetics (formerly Invitae), Labcorp); PubMed 23690520 (cited by Counsyl); PubMed 18798839 (cited by Counsyl).

NM_000277.3(PAH):c.168+5G>A

Gene: PAH (phenylalanine hydroxylase; minus strand). Cytogenetic location: 12q23.2.
Variant type: single nucleotide variant.
Coding change: c.168+5G>A on transcript NM_000277.3 (MANE Select); 5 bases into the intron after coding-DNA position 168, G replaced by A.
Molecular consequence: intron variant.
Genome position (GRCh38, 1-based): chr12:102,912,786, C>T on the plus strand (G>A on the coding strand, the complement: PAH is on the minus strand). VCF-style: chr12-102912786-C-T. GRCh37 (hg19) VCF-style: chr12-103306564-C-T.
Other names: c.168+5G>A (NM_001354304.2).
Identifiers: ClinVar variation 102605 (VCV000102605.8), dbSNP rs62507288, ClinGen allele CA229453.